The following is an entry in ClinVar:

ClinVar aggregate classification (germline): Uncertain significance (1 of 4 stars; one submission).

Submission:

Labcorp Genetics (formerly Invitae), Labcorp
Classification: Uncertain significance. Last evaluated: 2025-03-04. Review status: criteria provided, single submitter. Criteria: Invitae Variant Classification Sherloc (09022015). Collection method: clinical testing. Allele origin: germline.
Comment: This sequence change replaces cysteine, which is neutral and slightly polar, with tyrosine, which is neutral and polar, at codon 312 of the COMP protein (p.Cys312Tyr). This variant is not present in population databases (gnomAD no frequency). This missense change has been observed in individual(s) with multiple epiphyseal dysplasia (PMID: 24595329). Invitae Evidence Modeling of protein sequence and biophysical properties (such as structural, functional, and spatial information, amino acid conservation, physicochemical variation, residue mobility, and thermodynamic stability) indicates that this missense variant is expected to disrupt COMP protein function with a positive predictive value of 80%. In summary, the available evidence is currently insufficient to determine the role of this variant in disease. Therefore, it has been classified as a Variant of Uncertain Significance.

Literature cited by the submitters: PubMed 24595329.

NM_000095.3(COMP):c.935G>A (p.Cys312Tyr)

Gene: COMP (cartilage oligomeric matrix protein; minus strand). Cytogenetic location: 19p13.11.
Variant type: single nucleotide variant.
Coding change: c.935G>A on transcript NM_000095.3 (MANE Select); coding-DNA position 935, G replaced by A.
Protein change: p.Cys312Tyr; replaces cysteine 312 with tyrosine.
Molecular consequence: missense variant.
Genome position (GRCh38, 1-based): chr19:18,788,252, C>T on the plus strand (G>A on the coding strand, the complement: COMP is on the minus strand). VCF-style: chr19-18788252-C-T. GRCh37 (hg19) VCF-style: chr19-18899061-C-T.
Other names: short protein forms C312Y.
Identifiers: ClinVar variation 3723510 (VCV003723510.2).